The following is an entry in ClinVar:

NM_006767.4(LZTR1):c.2032C>G (p.Arg678Gly)

Gene: LZTR1 (leucine zipper like post translational regulator 1; plus strand). Cytogenetic location: 22q11.21.
Variant type: single nucleotide variant.
Coding change: c.2032C>G on transcript NM_006767.4 (MANE Select); coding-DNA position 2032, C replaced by G.
Protein change: p.Arg678Gly; replaces arginine 678 with glycine.
Molecular consequence: missense variant.
Genome position (GRCh38, 1-based): chr22:20,995,835, C>G. VCF-style: chr22-20995835-C-G. GRCh37 (hg19) VCF-style: chr22-21350124-C-G.
Other names: short protein forms R678G.
Identifiers: ClinVar variation 2833819 (VCV002833819.3), dbSNP rs780217270, ClinGen allele CA410779101.

ClinVar aggregate classification (germline): Uncertain significance (1 of 4 stars; one submission).

gnomAD v4.1: 2 of 1,613,176 alleles (0.00012%); highest among the groups gnomAD compares: East Asian, 0.0045%; no homozygotes.

Submission:

Labcorp Genetics (formerly Invitae), Labcorp
Classification: Uncertain significance. Last evaluated: 2024-01-03. Review status: criteria provided, single submitter. Criteria: Invitae Variant Classification Sherloc (09022015). Collection method: clinical testing. Allele origin: germline.
Comment: This sequence change replaces arginine, which is basic and polar, with glycine, which is neutral and non-polar, at codon 678 of the LZTR1 protein (p.Arg678Gly). This variant is not present in population databases (gnomAD no frequency). This variant has not been reported in the literature in individuals affected with LZTR1-related conditions. Advanced modeling of protein sequence and biophysical properties (such as structural, functional, and spatial information, amino acid conservation, physicochemical variation, residue mobility, and thermodynamic stability) performed at Invitae indicates that this missense variant is not expected to disrupt LZTR1 protein function with a negative predictive value of 80%. In summary, the available evidence is currently insufficient to determine the role of this variant in disease. Therefore, it has been classified as a Variant of Uncertain Significance.